The following is an entry in ClinVar:

NM_021008.4(DEAF1):c.21G>T (p.Ala7=)

Gene: DEAF1 (DEAF1 transcription factor; minus strand). Cytogenetic location: 11p15.5.
Variant type: single nucleotide variant.
Coding change: c.21G>T on transcript NM_021008.4 (MANE Select); coding-DNA position 21, G replaced by T.
Protein change: p.Ala7=; no amino-acid change (alanine 7 retained).
Molecular consequence: synonymous variant. On other transcripts: intron variant (1).
Genome position (GRCh38, 1-based): chr11:695,027, C>A on the plus strand (G>T on the coding strand, the complement: DEAF1 is on the minus strand). VCF-style: chr11-695027-C-A. GRCh37 (hg19) VCF-style: chr11-695027-C-A.
Other names: c.21G>T (NM_021008.3); c.21G>T, p.Ala7= (NM_001293634.2); c.-437-3429G>T (NM_001367390.1).
Identifiers: ClinVar variation 1543962 (VCV001543962.9), dbSNP rs1243695617, ClinGen allele CA472334818.

ClinVar aggregate classification (germline): Likely benign. Review status: criteria provided, multiple submitters, no conflicts (2 of 4 stars). 2 submissions from 2 submitters: Likely benign (2). Last evaluated 2024-10-19.

Conditions:
DEAF1-related disorder.

gnomAD v4.1: 25 of 1,414,048 alleles (0.0018%); highest among the groups gnomAD compares: Non-Finnish European, 0.0021%; no homozygotes.

Submissions (2):

PreventionGenetics, part of Exact Sciences
Classification: Likely benign for DEAF1-related condition. Last evaluated: 2024-10-19. Review status: criteria provided, single submitter. Criteria: ACMG Guidelines, 2015. Collection method: clinical testing. Allele origin: germline.
Comment: This variant is classified as likely benign based on ACMG/AMP sequence variant interpretation guidelines (Richards et al. 2015 PMID: 25741868, with internal and published modifications).

Labcorp Genetics (formerly Invitae), Labcorp
Classification: Likely benign. Last evaluated: 2024-10-12. Review status: criteria provided, single submitter. Criteria: Invitae Variant Classification Sherloc (09022015). Collection method: clinical testing. Allele origin: germline.